The following is an entry in ClinVar:

NM_001276270.2(MBD4):c.948A>G (p.Ser316=)

Gene: MBD4 (methyl-CpG binding domain 4, DNA glycosylase; minus strand). Cytogenetic location: 3q21.3.
Variant type: single nucleotide variant.
Coding change: c.948A>G on transcript NM_001276270.2 (MANE Select); coding-DNA position 948, A replaced by G.
Protein change: p.Ser316=; no amino-acid change (serine 316 retained).
Molecular consequence: synonymous variant. On other transcripts: intron variant (1).
Genome position (GRCh38, 1-based): chr3:129,436,696, T>C on the plus strand (A>G on the coding strand, the complement: MBD4 is on the minus strand). VCF-style: chr3-129436696-T-C. GRCh37 (hg19) VCF-style: chr3-129155539-T-C.
Other names: c.948A>G, p.Ser316= (NM_001276271.2, NM_001276272.2, NM_003925.3); c.247+1112A>G (NM_001276273.2).
Identifiers: ClinVar variation 3640275 (VCV003640275.4).

ClinVar aggregate classification (germline): Benign/Likely benign. Review status: criteria provided, multiple submitters, no conflicts (2 of 4 stars). 3 submissions from 3 submitters: Benign (1); Likely benign (2). Last evaluated 2026-06-10.

Conditions:
Inborn genetic diseases. Identifiers: MedGen C0950123, MeSH D030342.
Tumor predisposition syndrome 2 (TPDS2). Also called: MBD4-ASSOCIATED NEOPLASIA SYNDROME; MBD4-Related Tumor Predisposition Syndrome; MBD4-associated neoplasia syndrome (MANS). Identifiers: Orphanet 661526, MedGen C5774186, MONDO:0859267, OMIM 619975.

gnomAD v4.1: 1 of 1,614,142 alleles (0.000062%); highest among the groups gnomAD compares: Admixed American, 0.0017%; no homozygotes.

Submissions (3):

Myriad Genetics, Inc.
Classification: Benign for Tumor predisposition syndrome 2. Last evaluated: 2026-06-10. Review status: criteria provided, single submitter. Criteria: Myriad Autosomal Dominant, Autosomal Recessive and X-Linked Classification Criteria (2023). Collection method: clinical testing. Allele origin: unknown.
Comment: This variant is considered benign. This variant is a silent/synonymous amino acid change and it is not expected to impact splicing.

Ambry Genetics
Classification: Likely benign for Inborn genetic diseases. Last evaluated: 2025-12-28. Review status: criteria provided, single submitter. Criteria: Ambry Variant Classification Scheme 2023. Collection method: clinical testing. Allele origin: germline.

Labcorp Genetics (formerly Invitae), Labcorp
Classification: Likely benign. Last evaluated: 2024-10-28. Review status: criteria provided, single submitter. Criteria: Invitae Variant Classification Sherloc (09022015). Collection method: clinical testing. Allele origin: germline.